The following is an entry in ClinVar:

ClinVar aggregate classification (germline): Benign (1 of 4 stars; one submission).

Allele frequency attached by ClinVar (database versions not stated): 1000 Genomes Project 0.11941; 1000 Genomes Project 30x 0.12055; gnomAD 0.13534; TOPMed 0.14088.
gnomAD v4.1: 20,247 of 150,958 alleles (13%); highest among the groups gnomAD compares: Admixed American, 18%; 1,465 homozygotes.

Submission:

GeneDx
Classification: Benign. Last evaluated: 2018-06-18. Review status: criteria provided, single submitter. Criteria: GeneDx Variant Classification (06012015). Collection method: clinical testing. Allele origin: germline. Affected: yes.
Comment: This variant is considered likely benign or benign based on one or more of the following criteria: it is a conservative change, it occurs at a poorly conserved position in the protein, it is predicted to be benign by multiple in silico algorithms, and/or has population frequency not consistent with disease.

NM_000337.6(SGCD):c.295-286G>A

Gene: SGCD (sarcoglycan delta; plus strand). Cytogenetic location: 5q33.3.
Variant type: single nucleotide variant.
Coding change: c.295-286G>A on transcript NM_000337.6 (MANE Select); 286 bases into the intron before coding-DNA position 295, G replaced by A.
Molecular consequence: intron variant.
Genome position (GRCh38, 1-based): chr5:156,588,945, G>A. VCF-style: chr5-156588945-G-A. GRCh37 (hg19) VCF-style: chr5-156015955-G-A.
Other names: c.292-286G>A (NM_001128209.2); c.295-286G>A (NM_172244.3).
Identifiers: ClinVar variation 668952 (VCV000668952.1), dbSNP rs280475, ClinGen allele CA15364046.